The following is an entry in ClinVar:

ClinVar aggregate classification (germline): Uncertain significance (1 of 4 stars; one submission).

Submission:

Labcorp Genetics (formerly Invitae), Labcorp
Classification: Uncertain significance. Last evaluated: 2023-10-16. Review status: criteria provided, single submitter. Criteria: Invitae Variant Classification Sherloc (09022015). Collection method: clinical testing. Allele origin: germline.
Comment: This sequence change replaces proline, which is neutral and non-polar, with arginine, which is basic and polar, at codon 570 of the MKL1 protein (p.Pro570Arg). This variant is not present in population databases (gnomAD no frequency). This variant has not been reported in the literature in individuals affected with MKL1-related conditions. An algorithm developed to predict the effect of missense changes on protein structure and function (PolyPhen-2) suggests that this variant is likely to be tolerated. In summary, the available evidence is currently insufficient to determine the role of this variant in disease. Therefore, it has been classified as a Variant of Uncertain Significance.

NM_020831.6(MRTFA):c.2009C>G (p.Pro670Arg)

Gene: MRTFA (myocardin related transcription factor A; minus strand). Cytogenetic location: 22q13.1.
Variant type: single nucleotide variant.
Coding change: c.2009C>G on transcript NM_020831.6 (MANE Select); coding-DNA position 2009, C replaced by G.
Protein change: p.Pro670Arg; replaces proline 670 with arginine.
Molecular consequence: missense variant.
Genome position (GRCh38, 1-based): chr22:40,418,729, G>C on the plus strand (C>G on the coding strand, the complement: MRTFA is on the minus strand). VCF-style: chr22-40418729-G-C. GRCh37 (hg19) VCF-style: chr22-40814733-G-C.
Other names: c.1709C>G, p.Pro570Arg (NM_001282660.2); c.1859C>G, p.Pro620Arg (NM_001282661.3); c.2009C>G, p.Pro670Arg (NM_001282662.3); c.1814C>G, p.Pro605Arg (NM_001318139.2); short protein forms P605R, P570R, P620R, P670R.
Identifiers: ClinVar variation 2769112 (VCV002769112.3), dbSNP rs1207877854, ClinGen allele CA411658851.